The following is an entry in ClinVar:

ClinVar aggregate classification (germline): Benign (1 of 4 stars; one submission).

Conditions:
Hereditary diffuse gastric adenocarcinoma (HDGC). Also called: DIFFUSE GASTRIC AND LOBULAR BREAST CANCER SYNDROME. Identifiers: Orphanet 26106, MedGen C1708349, MONDO:0007648, OMIM 137215.

Submission:

Myriad Genetics, Inc.
Classification: Benign for Hereditary diffuse gastric adenocarcinoma. Last evaluated: 2024-09-23. Review status: criteria provided, single submitter. Criteria: Myriad Autosomal Dominant, Autosomal Recessive and X-Linked Classification Criteria (2023). Collection method: clinical testing. Allele origin: unknown.
Comment: This variant is considered benign. This variant is a silent/synonymous amino acid change and it is not expected to impact splicing.

NM_004360.5(CDH1):c.2224C>T (p.Leu742=)

Gene: CDH1 (cadherin 1; plus strand). Cytogenetic location: 16q22.1.
Variant type: single nucleotide variant.
Coding change: c.2224C>T on transcript NM_004360.5 (MANE Select); coding-DNA position 2224, C replaced by T.
Protein change: p.Leu742=; no amino-acid change (leucine 742 retained).
Molecular consequence: synonymous variant.
Genome position (GRCh38, 1-based): chr16:68,828,233, C>T. VCF-style: chr16-68828233-C-T. GRCh37 (hg19) VCF-style: chr16-68862136-C-T.
Other names: c.2041C>T, p.Leu681= (NM_001317184.2); c.676C>T, p.Leu226= (NM_001317185.2); c.259C>T, p.Leu87= (NM_001317186.2).
Identifiers: ClinVar variation 3378813 (VCV003378813.1).
Genomic context (GRCh38, chr16:68,828,233, plus strand): 5'-GTTCTGATTCTGCTGCTCTTGCTGTTTCTTCGGAGGAGAGCGGTGGTCAAAGAGCCCTTA[C>T]TGCCCCCAGAGGATGACACCCGGGACAACGTTTATTACTATGATGAAGAAGGAGGCGGAG-3'
Protein context (NP_004351.1, residues 732-752): RRRAVVKEPL[Leu742=]PPEDDTRDNV